The following is an entry in ClinVar:

NM_007194.4(CHEK2):c.445-8_446del

Gene: CHEK2 (checkpoint kinase 2; minus strand). Cytogenetic location: 22q12.1.
Variant type: Deletion.
Coding change: c.445-8_446del on transcript NM_007194.4 (MANE Select); 8 bases into the intron before coding-DNA position 445 through coding-DNA position 446, 10 bases deleted (TATTTTAGGA; older notation c.445-8_446delTATTTTAGGA).
Molecular consequence: splice acceptor variant. On other transcripts: intron variant (1).
Genome position (GRCh38, 1-based): chr22:28,725,123-28,725,132, TCCTAAAATA deleted on the plus strand (TATTTTAGGA on the coding strand, the reverse complement: CHEK2 is on the minus strand). VCF-style (leftmost placement, unchanged base first): chr22-28725122-TTCCTAAAATA-T. GRCh37 (hg19) VCF-style: chr22-29121110-TTCCTAAAATA-T.
Other names: c.445-8_446del10 (NM_007194.3); c.-219-8_-218del (NM_001437942.1); c.444+111_444+120del (NM_001349956.3); c.445-8_446del (NM_145862.3); c.-333-8_-332del (NM_001257387.3); c.538-8_539del (NM_001438295.1, NM_001438293.1); c.574-8_575del (NM_001438294.1, NM_001005735.3).
Identifiers: ClinVar variation 1477464 (VCV001477464.13), dbSNP rs2146062270, ClinGen allele CA2573158011.
Genomic context (GRCh38, chr22:28,725,122, plus strand): 5'-AAAGGTTCCATTGCCACTGTGATCTTCTATGTATGCAATGTAAGAGTTTTTAGGACCCAC[TTCCTAAAATA>T]GAGAACATTTTGTTTCAGACTTTGAATAGCAGAGATTTATAGTGGGAAAATATCTAAAAA-3'

ClinVar aggregate classification (germline): Likely pathogenic. Review status: criteria provided, multiple submitters, no conflicts (2 of 4 stars). 4 submissions from 4 submitters: Likely pathogenic (4). Last evaluated 2023-06-23.

Conditions:
Hereditary cancer-predisposing syndrome. Also called: Neoplastic Syndromes, Hereditary; Hereditary Cancer Syndrome; Tumor predisposition; Hereditary neoplastic syndrome. Identifiers: Orphanet 140162, MedGen C0027672, MeSH D009386, MONDO:0015356.
Familial cancer of breast. Also called: hereditary breast carcinoma; BREAST CANCER, FAMILIAL; Hereditary breast cancer. Identifiers: Orphanet 227535, MedGen C0346153, MONDO:0016419, OMIM 114480. Disease mechanism: loss of function.

Submissions (4):

Myriad Genetics, Inc.
Classification: Likely pathogenic for Familial cancer of breast. Last evaluated: 2023-06-23. Review status: criteria provided, single submitter. Criteria: Myriad Autosomal Dominant, Autosomal Recessive and X-Linked Classification Criteria (2023). Collection method: clinical testing. Allele origin: unknown.
Comment: This variant is considered likely pathogenic. This variant occurs within a consensus splice junction and is predicted to result in abnormal mRNA splicing of either an out-of-frame exon or an in-frame exon necessary for protein stability and/or normal function.

Ambry Genetics
Classification: Likely pathogenic for Hereditary cancer-predisposing syndrome. Last evaluated: 2023-01-04. Review status: criteria provided, single submitter. Criteria: Ambry Variant Classification Scheme 2023. Collection method: clinical testing. Allele origin: germline.
Comment: The c.445-8_446del10 variant results from a deletion of 10 nucleotides between positions c.445-8 and c.446 and involves the canonical splice acceptor site before coding exon 3 of the CHEK2 gene. The canonical splice acceptor site is well conserved in available vertebrate species. In silico splice site analysis predicts that this alteration will weaken the native splice acceptor site. RNA studies have demonstrated that this alteration results in abnormal splicing in the set of samples tested (Ambry internal data). Alterations that disrupt the canonical splice site are expected to cause aberrant splicing, resulting in an abnormal protein or a transcript that is subject to nonsense-mediated mRNA decay. As such, this alteration is classified as likely pathogenic.

MGZ Medical Genetics Center
Classification: Likely pathogenic for Familial cancer of breast. Last evaluated: 2022-05-20. Review status: criteria provided, single submitter. Criteria: ACMG Guidelines, 2015. Collection method: clinical testing. Allele origin: germline. Affected: yes. Observed: 1 variant allele.
Comment: ACMG criteria applied: PVS1, PM2_SUP

Labcorp Genetics (formerly Invitae), Labcorp
Classification: Likely pathogenic for Familial cancer of breast. Last evaluated: 2021-04-28. Review status: criteria provided, single submitter. Criteria: Invitae Variant Classification Sherloc (09022015). Collection method: clinical testing. Allele origin: germline.
Comment: This variant has not been reported in the literature in individuals with CHEK2-related conditions. In summary, the currently available evidence indicates that the variant is pathogenic, but additional data are needed to prove that conclusively. Therefore, this variant has been classified as Likely Pathogenic. Algorithms developed to predict the effect of sequence changes on RNA splicing suggest that this variant may disrupt the consensus splice site, but this prediction has not been confirmed by published transcriptional studies. This variant is not present in population databases (ExAC no frequency). This variant results in the deletion of part of exon 4 (c.445-8_446del) of the CHEK2 gene. It is expected to disrupt RNA splicing. Variants that disrupt the donor or acceptor splice site typically lead to a loss of protein function (PMID: 16199547), and loss-of-function variants in CHEK2 are known to be pathogenic (PMID: 21876083, 24713400).

Literature cited by the submitters: PubMed 16199547 (cited by Labcorp Genetics (formerly Invitae), Labcorp); PubMed 21876083 (cited by Labcorp Genetics (formerly Invitae), Labcorp); PubMed 24713400 (cited by Labcorp Genetics (formerly Invitae), Labcorp).